The following is an entry in ClinVar:

ClinVar aggregate classification (germline): Benign. Review status: criteria provided, multiple submitters, no conflicts (2 of 4 stars). 4 submissions from 3 submitters: Benign (4). Last evaluated 2018-06-26.

Conditions:
Torsion dystonia 4. Also called: DYT-TUBB4A (Autosomal Dominant Torsion Dystonia); DYSTONIA MUSCULORUM DEFORMANS 4. Identifiers: Orphanet 98805, MedGen C1851943, MONDO:0007493, OMIM 128101.
Leukodystrophy, hypomyelinating, 6. Also called: LEUKODYSTROPHY, HYPOMYELINATING, WITH ATROPHY OF THE BASAL GANGLIA AND CEREBELLUM; TUBB4A-Associated Leukodystrophy; Hypomyelination with Atrophy of Basal Ganglia and Cerebellum (H-ABC). Identifiers: Orphanet 139441, MedGen C2676244, MONDO:0012905, OMIM 612438.

Allele frequency attached by ClinVar (database versions not stated): 1000 Genomes Project 0.74740; 1000 Genomes Project 30x 0.74797; TOPMed 0.75908; gnomAD 0.76333 and 0.76464.
gnomAD v4.1: 986,392 of 1,308,468 alleles (75%); highest among the groups gnomAD compares: Admixed American, 84%; 372,755 homozygotes.

Submissions (4):

GeneDx
Classification: Benign. Last evaluated: 2018-06-26. Review status: criteria provided, single submitter. Criteria: GeneDx Variant Classification Process June 2021. Collection method: clinical testing. Allele origin: germline. Affected: yes.

Illumina Laboratory Services, Illumina
Classification: Benign for Leukodystrophy, hypomyelinating, 6. Last evaluated: 2017-04-27. Review status: criteria provided, single submitter. Criteria: ICSL Variant Classification Criteria 13 December 2019. Collection method: clinical testing. Allele origin: germline.
Comment: This variant was observed as part of a predisposition screen in an ostensibly healthy population. A literature search was performed for the gene, cDNA change, and amino acid change (where applicable). No publications were found based on this search. Allele frequency data from public databases was too high to be consistent with this variant causing disease. Therefore, this variant is classified as benign.

Illumina Laboratory Services, Illumina
Classification: Benign for Torsion dystonia 4. Last evaluated: 2017-04-27. Review status: criteria provided, single submitter. Criteria: ICSL Variant Classification Criteria 13 December 2019. Collection method: clinical testing. Allele origin: germline.
Comment: the same text as in the submission from Illumina Laboratory Services, Illumina above.

Breakthrough Genomics
Classification: Benign. Review status: criteria provided, single submitter. Criteria: ACMG Guidelines, 2015. Collection method: not provided. Allele origin: germline. Inheritance: Autosomal dominant inheritance. Affected: yes.

NM_006087.4(TUBB4A):c.*111G>C

Gene: TUBB4A (tubulin beta 4A class IVa; minus strand). Cytogenetic location: 19p13.3.
Variant type: single nucleotide variant.
Coding change: c.*111G>C on transcript NM_006087.4 (MANE Select); 111 bases downstream of the stop codon, G replaced by C.
Molecular consequence: 3 prime UTR variant.
Genome position (GRCh38, 1-based): chr19:6,495,053, C>G on the plus strand (G>C on the coding strand, the complement: TUBB4A is on the minus strand). VCF-style: chr19-6495053-C-G. GRCh37 (hg19) VCF-style: chr19-6495064-C-G.
Other names: c.*111G>C (NM_001289123.2, NM_001289127.2, NM_001289129.2 and 2 more transcripts).
Identifiers: ClinVar variation 330256 (VCV000330256.9), dbSNP rs446199, ClinGen allele CA10652272.